The following is an entry in ClinVar:

ClinVar aggregate classification (germline): Benign/Likely benign. Review status: criteria provided, multiple submitters, no conflicts (2 of 4 stars). 3 submissions from 3 submitters: Benign (1); Likely benign (2). Last evaluated 2026-04-14.

Conditions:
DICER1-related tumor predisposition. Also called: DICER1 syndrome; DICER1-related pleuropulmonary blastoma cancer predisposition syndrome. Identifiers: Orphanet 284343, MedGen C3839822, MONDO:0100216.
Hereditary cancer-predisposing syndrome. Also called: Tumor predisposition; Hereditary Cancer Syndrome; Hereditary neoplastic syndrome; Neoplastic Syndromes, Hereditary. Identifiers: Orphanet 140162, MedGen C0027672, MeSH D009386, MONDO:0015356.

Allele frequency attached by ClinVar (database versions not stated): ExAC 0.00001; gnomAD exomes 0.00001.
gnomAD v4.1: 5 of 1,613,882 alleles (0.00031%); highest among the groups gnomAD compares: Non-Finnish European, 0.00042%; no homozygotes.

Submissions (3):

Myriad Genetics, Inc.
Classification: Benign for DICER1-related tumor predisposition. Last evaluated: 2026-04-14. Review status: criteria provided, single submitter. Criteria: Myriad Autosomal Dominant, Autosomal Recessive and X-Linked Classification Criteria (2023). Collection method: clinical testing. Allele origin: unknown.
Comment: This variant is considered benign. This variant is a silent/synonymous amino acid change and it is not expected to impact splicing.

Labcorp Genetics (formerly Invitae), Labcorp
Classification: Likely benign for DICER1-related tumor predisposition. Last evaluated: 2024-02-01. Review status: criteria provided, single submitter. Criteria: Invitae Variant Classification Sherloc (09022015). Collection method: clinical testing. Allele origin: germline.

Ambry Genetics
Classification: Likely benign for Hereditary cancer-predisposing syndrome. Last evaluated: 2019-05-14. Review status: criteria provided, single submitter. Criteria: Ambry Variant Classification Scheme 2023. Collection method: clinical testing. Allele origin: germline.

NM_177438.3(DICER1):c.129G>C (p.Thr43=)

Gene: DICER1 (dicer 1, ribonuclease III; minus strand). Cytogenetic location: 14q32.13.
Variant type: single nucleotide variant.
Coding change: c.129G>C on transcript NM_177438.3 (MANE Select); coding-DNA position 129, G replaced by C.
Protein change: p.Thr43=; no amino-acid change (threonine 43 retained).
Molecular consequence: synonymous variant.
Genome position (GRCh38, 1-based): chr14:95,133,330, C>G on the plus strand (G>C on the coding strand, the complement: DICER1 is on the minus strand). VCF-style: chr14-95133330-C-G. GRCh37 (hg19) VCF-style: chr14-95599667-C-G.
Other names: c.129G>C, p.Thr43= (NM_001195573.1, NM_001271282.3, NM_001291628.2 and 1 more transcripts).
Identifiers: ClinVar variation 818842 (VCV000818842.14), dbSNP rs748819990, ClinGen allele CA7331741.